The following is an entry in ClinVar:

NM_001754.5(RUNX1):c.258G>C (p.Pro86=)

Gene: RUNX1 (RUNX family transcription factor 1; minus strand). Cytogenetic location: 21q22.12.
Variant type: single nucleotide variant.
Coding change: c.258G>C on transcript NM_001754.5 (MANE Select); coding-DNA position 258, G replaced by C.
Protein change: p.Pro86=; no amino-acid change (proline 86 retained).
Molecular consequence: synonymous variant.
Genome position (GRCh38, 1-based): chr21:34,886,936, C>G on the plus strand (G>C on the coding strand, the complement: RUNX1 is on the minus strand). VCF-style: chr21-34886936-C-G. GRCh37 (hg19) VCF-style: chr21-36259233-C-G.
Other names: NM_001754.5(RUNX1):c.258G>C; p.Pro86=; c.177G>C, p.Pro59= (NM_001001890.3, NM_001122607.2); c.258G>C (NM_001754.4).
Identifiers: ClinVar variation 1153167 (VCV001153167.11), dbSNP rs55941652, ClinGen allele CA320642680.

ClinVar aggregate classification (germline): Likely benign. Review status: reviewed by expert panel (3 of 4 stars). 3 submissions from 3 submitters: Likely benign (1). 2 of the submissions do not count toward it. Last evaluated 2024-06-24.

Conditions:
Hereditary thrombocytopenia and hematological cancer predisposition syndrome associated with RUNX1. Also called: Familial Platelet Disorder with Propensity to Acute Myelogenous Leukemia; Familial thrombocytopenia with propensity to acute myelogenous leukemia; PLATELET DISORDER, ASPIRIN-LIKE; RUNX1 Familial Platelet Disorder with Associated Myeloid Malignancies. Identifiers: Orphanet 71290, MedGen C1832388, MeSH C563324, MONDO:0100083, OMIM 601399.
Hereditary thrombocytopenia and hematologic cancer predisposition syndrome. Identifiers: Orphanet 71290, MedGen CN281654, MONDO:0011071.
Inborn genetic diseases. Identifiers: MedGen C0950123, MeSH D030342.

Submissions (3):

ClinGen Myeloid Malignancy Variant Curation Expert Panel
Classification: Likely benign for Hereditary thrombocytopenia and hematologic cancer predisposition syndrome. Last evaluated: 2024-06-24. Review status: reviewed by expert panel. Criteria: ClinGen MyeloMalig ACMG Specifications v2. Collection method: curation. Allele origin: germline. Inheritance: Autosomal dominant inheritance.
Comment: Synonymous variant (no REVEL score applicable), and SpliceAI score is ≤ 0.20 (0.01) (BP4). Evolutionary conservation prediction algorithms predict the site as not being conserved (PhyloP score -3.228 (< 2.0)) (BP7). This variant is completely absent from all population databases with at least 20x coverage for RUNX1 (PM2_supporting). In summary, this variant meets criteria to be classified as likely benign. ACMG/AMP criteria applied, as specified by the Myeloid Malignancy Variant Curation Expert Panel for RUNX1: BP4, BP7, PM2_supporting.

Ambry Genetics
Classification: Likely benign for Inborn genetic diseases. Last evaluated: 2025-02-02. Review status: criteria provided, single submitter. Criteria: Ambry Variant Classification Scheme 2023. Collection method: clinical testing. Allele origin: germline. Not counted in ClinVar's aggregate classification.

Labcorp Genetics (formerly Invitae), Labcorp
Classification: Likely benign for Hereditary thrombocytopenia and hematological cancer predisposition syndrome associated with RUNX1. Last evaluated: 2024-06-10. Review status: criteria provided, single submitter. Criteria: Invitae Variant Classification Sherloc (09022015). Collection method: clinical testing. Allele origin: germline. Not counted in ClinVar's aggregate classification.